The following is an entry in ClinVar:

ClinVar aggregate classification (germline): Benign. Review status: criteria provided, multiple submitters, no conflicts (2 of 4 stars). 2 submissions from 2 submitters: Benign (2). Last evaluated 2018-06-16.

Allele frequency attached by ClinVar (database versions not stated): TOPMed 0.13034; gnomAD 0.13984 and 0.14251; 1000 Genomes Project 0.14497; 1000 Genomes Project 30x 0.14678.
gnomAD v4.1: 205,250 of 1,224,640 alleles (17%); highest among the groups gnomAD compares: South Asian, 24%; 17,906 homozygotes.

Submissions (2):

GeneDx
Classification: Benign. Last evaluated: 2018-06-16. Review status: criteria provided, single submitter. Criteria: GeneDx Variant Classification (06012015). Collection method: clinical testing. Allele origin: germline. Affected: yes.
Comment: This variant is considered likely benign or benign based on one or more of the following criteria: it is a conservative change, it occurs at a poorly conserved position in the protein, it is predicted to be benign by multiple in silico algorithms, and/or has population frequency not consistent with disease.

Breakthrough Genomics
Classification: Benign. Review status: criteria provided, single submitter. Criteria: ACMG Guidelines, 2015. Collection method: not provided. Allele origin: germline. Inheritance: Autosomal dominant inheritance. Affected: yes.

NM_000256.3(MYBPC3):c.1091-101T>C

Gene: MYBPC3 (myosin binding protein C3; minus strand). Cytogenetic location: 11p11.2.
Variant type: single nucleotide variant.
Coding change: c.1091-101T>C on transcript NM_000256.3 (MANE Select); 101 bases into the intron before coding-DNA position 1091, T replaced by C.
Molecular consequence: intron variant.
Genome position (GRCh38, 1-based): chr11:47,343,725, A>G on the plus strand (T>C on the coding strand, the complement: MYBPC3 is on the minus strand). VCF-style: chr11-47343725-A-G. GRCh37 (hg19) VCF-style: chr11-47365276-A-G.
Identifiers: ClinVar variation 672034 (VCV000672034.2), dbSNP rs11570072, ClinGen allele CA16417276.
Genomic context (GRCh38, chr11:47,343,725, plus strand): 5'-ACCCTGCTCCCCCAGGCCAAGCTACTGTGGCTGTGGCTGGGGCCCAGGTCCCCCCCTCCA[A>G]TCCCCTCTGTGCCGCCCCGCTTCCACTTCTCTGTGTCTCTATTTCTTTTTGTTTTGTTTG-3'